The following is an entry in ClinVar:

NM_032119.4(ADGRV1):c.5642G>A (p.Gly1881Glu)

Gene: ADGRV1 (adhesion G protein-coupled receptor V1; plus strand). Cytogenetic location: 5q14.3.
Variant type: single nucleotide variant.
Coding change: c.5642G>A on transcript NM_032119.4 (MANE Select); coding-DNA position 5642, G replaced by A.
Protein change: p.Gly1881Glu; replaces glycine 1881 with glutamic acid.
Molecular consequence: missense variant. On other transcripts: non-coding transcript variant (1).
Genome position (GRCh38, 1-based): chr5:90,681,432, G>A. VCF-style: chr5-90681432-G-A. GRCh37 (hg19) VCF-style: chr5-89977249-G-A.
Other names: short protein forms G1881E.
Identifiers: ClinVar variation 3907817 (VCV003907817.1).
Genomic context (GRCh38, chr5:90,681,432, plus strand): 5'-ATGGCGTATTTGAATTTAGCCCTGAGTCACTCTTTGTCAGTGGAACTGAACCAGAAGATG[G>A]GTATAGCACTGTTACATTAAATGTGAGTACCTTTTCTTCCTTCATTCCTAGACACTTTCT-3'
Protein context (NP_115495.3, residues 1871-1891): LFVSGTEPED[Gly1881Glu]YSTVTLNVIR

ClinVar aggregate classification (germline): Uncertain significance (1 of 4 stars; one submission).

Submission:

GeneDx
Classification: Uncertain significance. Last evaluated: 2024-12-31. Review status: criteria provided, single submitter. Criteria: GeneDx Variant Classification Process June 2021. Collection method: clinical testing. Allele origin: germline. Affected: yes.
Comment: Not observed at significant frequency in large population cohorts (gnomAD); In silico analysis supports that this missense variant has a deleterious effect on protein structure/function; Has not been previously published as pathogenic or benign to our knowledge